The following is an entry in ClinVar:

NM_000388.4(CASR):c.396_410del (p.Glu133_Ser137del)

Gene: CASR (calcium sensing receptor; plus strand). Cytogenetic location: 3q21.1.
Variant type: Deletion.
Coding change: c.396_410del on transcript NM_000388.4 (MANE Select); coding-DNA positions 396 to 410, 15 bases deleted (AGAGCACATTCCCTC).
Protein change: p.Glu133_Ser137del.
Molecular consequence: inframe deletion.
Genome position (GRCh38, 1-based): chr3:122,257,291-122,257,305, AGAGCACATTCCCTC deleted; deleting any 15 consecutive bases within chr3:122,257,288-122,257,305 gives the same sequence; the c. name uses the placement nearest the transcript's 3' end. VCF-style (leftmost placement, unchanged base first): chr3-122257287-GCTCAGAGCACATTCC-G. GRCh37 (hg19) VCF-style: chr3-121976134-GCTCAGAGCACATTCC-G.
Other names: c.396_410del, p.Glu133_Ser137del (NM_001178065.2).
Identifiers: ClinVar variation 583082 (VCV000583082.10), dbSNP rs1559956683, ClinGen allele CA891842857.

ClinVar aggregate classification (germline): Pathogenic (1 of 4 stars; one submission).

Conditions:
Familial hypocalciuric hypercalcemia (FHH). Also called: Familial benign hypercalcemia. Identifiers: Orphanet 405, MedGen C1809471, MONDO:0018458.
Autosomal dominant hypocalcemia 1 (HYPOC1). Also called: HYPOCALCEMIA, FAMILIAL. Identifiers: MedGen C3715128, MONDO:0011013, OMIM 601198.

Submission:

Labcorp Genetics (formerly Invitae), Labcorp
Classification: Pathogenic for Familial hypocalciuric hypercalcemia; Autosomal dominant hypocalcemia 1. Last evaluated: 2017-08-22. Review status: criteria provided, single submitter. Criteria: Invitae Variant Classification Sherloc (09022015). Collection method: clinical testing. Allele origin: germline.
Comment: For these reasons, this variant has been classified as Pathogenic. A different missense substitution at codon (p.P136L) within the deleted region has been determined to be pathogenic (PMID: 25766501). This suggests that the proline residue is critical for CASR protein function and that deletion at this position may also be pathogenic. Experimental studies and prediction algorithms are not available for this variant, and the functional significance of the deleted amino acids is currently unknown. This variant has been reported to be de novo in individuals affected with hypoparathyroidism (Invitae). This variant is not present in population databases (ExAC no frequency). This variant, c.396_410delAGAGCACATTCCCTC, results in the deletion of 5 amino acids of the CASR protein (p.Glu133_Ser137del), but otherwise preserves the integrity of the reading frame.

Literature cited by the submitters: PubMed 25766501.